The following is an entry in ClinVar:

ClinVar aggregate classification (germline): Uncertain significance. Review status: criteria provided, multiple submitters, no conflicts (2 of 4 stars). 3 submissions from 3 submitters: Uncertain significance (3). Last evaluated 2024-08-07.

Conditions:
Fanconi anemia (FA). Also called: Fanconi's anemia. Identifiers: Orphanet 84, MedGen C0015625, MeSH D005199, MONDO:0019391.

Allele frequency attached by ClinVar (database versions not stated): ExAC 0.00006; gnomAD exomes 0.00006; ESP Exome Variant Server 0.00008; gnomAD 0.00013; TOPMed 0.00013.
gnomAD v4.1: 269 of 1,610,712 alleles (0.017%); highest among the groups gnomAD compares: Non-Finnish European, 0.02%; no homozygotes.

Submissions (3):

Genetic Services Laboratory, University of Chicago
Classification: Uncertain significance. Last evaluated: 2024-08-07. Review status: criteria provided, single submitter. Criteria: ACMG Guidelines, 2015. Collection method: clinical testing. Allele origin: germline. Affected: no.
Comment: DNA sequence analysis of the SLX4 gene demonstrated a sequence change, c.2332G>C, in exon 12 that results in an amino acid change, p.Gly778Arg. This sequence change does not appear to have been previously described in individuals with SLX4-related disorders. This sequence change has been described in the gnomAD database with a frequency of 0.01% in the European subpopulation (dbSNP rs142722925). The p.Gly778Arg change affects a highly conserved amino acid residue located in a domain of the SLX4 protein that is known to be functional. The p.Gly778Arg substitution appears to be deleterious sing several in-silico pathogenicity prediction tools (SIFT, PolyPhen2, Align GVGD, REVEL). Due to insufficient evidences and the lack of functional studies, the clinical significance of the p.Gly778Arg change remains unknown at this time.

Blueprint Genetics
Classification: Uncertain significance. Last evaluated: 2024-03-26. Review status: criteria provided, single submitter. Criteria: ACMG Guidelines, 2015. Collection method: clinical testing. Allele origin: germline.

Labcorp Genetics (formerly Invitae), Labcorp
Classification: Uncertain significance for Fanconi anemia. Last evaluated: 2022-07-19. Review status: criteria provided, single submitter. Criteria: Invitae Variant Classification Sherloc (09022015). Collection method: clinical testing. Allele origin: germline.
Comment: This sequence change replaces glycine, which is neutral and non-polar, with arginine, which is basic and polar, at codon 778 of the SLX4 protein (p.Gly778Arg). This variant is present in population databases (rs142722925, gnomAD 0.01%). This variant has not been reported in the literature in individuals affected with SLX4-related conditions. ClinVar contains an entry for this variant (Variation ID: 526379). Algorithms developed to predict the effect of missense changes on protein structure and function are either unavailable or do not agree on the potential impact of this missense change (SIFT: "Deleterious"; PolyPhen-2: "Probably Damaging"; Align-GVGD: "Class C15"). In summary, the available evidence is currently insufficient to determine the role of this variant in disease. Therefore, it has been classified as a Variant of Uncertain Significance.

NM_032444.4(SLX4):c.2332G>C (p.Gly778Arg)

Gene: SLX4 (SLX4 structure-specific endonuclease subunit; minus strand). Cytogenetic location: 16p13.3.
Variant type: single nucleotide variant.
Coding change: c.2332G>C on transcript NM_032444.4 (MANE Select); coding-DNA position 2332, G replaced by C.
Protein change: p.Gly778Arg; replaces glycine 778 with arginine.
Molecular consequence: missense variant.
Genome position (GRCh38, 1-based): chr16:3,591,306, C>G on the plus strand (G>C on the coding strand, the complement: SLX4 is on the minus strand). VCF-style: chr16-3591306-C-G. GRCh37 (hg19) VCF-style: chr16-3641307-C-G.
Other names: c.2332G>C (LRG_503t1, NM_032444.3); short protein forms G778R.
Identifiers: ClinVar variation 526379 (VCV000526379.10), dbSNP rs142722925, ClinGen allele CA7866176.